The following is an entry in ClinVar:

ClinVar aggregate classification (germline): Pathogenic (1 of 4 stars; one submission).

Conditions:
Mucolipidosis type IV (ML4). Also called: ML IV. Identifiers: Orphanet 578, MedGen C0238286, MONDO:0009653, OMIM 252650.

Submission:

Myriad Genetics, Inc.
Classification: Pathogenic for Mucolipidosis type IV. Last evaluated: 2026-08-04. Review status: criteria provided, single submitter. Criteria: Myriad Autosomal Dominant, Autosomal Recessive and X-Linked Classification Criteria (2023). Collection method: clinical testing. Allele origin: unknown.
Comment: NM_020533.2(MCOLN1):c.1107dupC(I370Hfs*93) is expected to be pathogenic in the context of mucolipidosis IV. This variant is predicted to lead to an abnormal or absent protein product due to the creation of a premature termination codon in MCOLN1, a gene where loss-of-function variants are known to be pathogenic. Please note: this variant was assessed in the context of healthy population screening.

NM_020533.3(MCOLN1):c.1107dup (p.Ile370fs)

Gene: MCOLN1 (mucolipin TRP cation channel 1; plus strand). Cytogenetic location: 19p13.2.
Variant type: Duplication.
Coding change: c.1107dup on transcript NM_020533.3 (MANE Select); coding-DNA position 1107, one base duplicated (C; older notation c.1107dupC).
Protein change: p.Ile370fs; shifts the reading frame from isoleucine 370.
Molecular consequence: frameshift variant.
Genome position (GRCh38, 1-based): chr19:7,528,943, C duplicated; the last of 2 consecutive C bases (chr19:7,528,942-7,528,943); duplicating either gives the same sequence. VCF-style (leftmost placement, unchanged base first): chr19-7528941-A-AC. GRCh37 (hg19) VCF-style: chr19-7593827-A-AC.
Other names: short protein forms I370fs.
Identifiers: ClinVar variation 5016195 (VCV005016195.1).